The following is an entry in ClinVar:

NM_000059.4(BRCA2):c.6980T>C (p.Leu2327Ser)

Gene: BRCA2 (BRCA2 DNA repair associated; plus strand). Cytogenetic location: 13q13.1.
Variant type: single nucleotide variant.
Coding change: c.6980T>C on transcript NM_000059.4 (MANE Select); coding-DNA position 6980, T replaced by C.
Protein change: p.Leu2327Ser; replaces leucine 2327 with serine.
Molecular consequence: missense variant.
Genome position (GRCh38, 1-based): chr13:32,346,869, T>C. VCF-style: chr13-32346869-T-C. GRCh37 (hg19) VCF-style: chr13-32921006-T-C.
Other names: short protein forms L2327S.
Identifiers: ClinVar variation 1337391 (VCV001337391.9), dbSNP rs750917769, ClinGen allele CA6941036.

ClinVar aggregate classification (germline): Uncertain significance. Review status: criteria provided, multiple submitters, no conflicts (2 of 4 stars). 3 submissions from 3 submitters: Uncertain significance (3). Last evaluated 2026-04-17.

Conditions:
Hereditary breast ovarian cancer syndrome. Also called: Hereditary breast and ovarian cancer; Hereditary breast and ovarian cancer syndrome; Hereditary breast and ovarian cancer syndrome (HBOC); BRCA1- and BRCA2-Associated Hereditary Breast and Ovarian Cancer; Breast and ovarian cancer; Hereditary breast and/or ovarian cancer syndrome. Identifiers: Orphanet 145, MedGen C0677776, MeSH D061325, MONDO:0003582. Disease mechanism: loss of function.
Hereditary cancer-predisposing syndrome. Also called: Neoplastic Syndromes, Hereditary; Tumor predisposition; Hereditary Cancer Syndrome; Hereditary neoplastic syndrome. Identifiers: Orphanet 140162, MedGen C0027672, MeSH D009386, MONDO:0015356.

Allele frequency attached by ClinVar (database versions not stated): ExAC 0.00001; gnomAD exomes below 0.00001.
gnomAD v4.1: 2 of 1,610,640 alleles (0.00012%); highest among the groups gnomAD compares: East Asian, 0.0022%; no homozygotes.

Submissions (3):

Ambry Genetics
Classification: Uncertain significance for Hereditary cancer-predisposing syndrome. Last evaluated: 2026-04-17. Review status: criteria provided, single submitter. Criteria: Ambry Variant Classification Scheme 2023. Collection method: clinical testing. Allele origin: germline.
Comment: The p.L2327S variant (also known as c.6980T>C), located in coding exon 12 of the BRCA2 gene, results from a T to C substitution at nucleotide position 6980. The leucine at codon 2327 is replaced by serine, an amino acid with dissimilar properties. This amino acid position is highly conserved in available vertebrate species. In addition, the in silico prediction for this alteration is inconclusive. Based on the available evidence, the clinical significance of this variant remains unclear.

Labcorp Genetics (formerly Invitae), Labcorp
Classification: Uncertain significance for Hereditary breast ovarian cancer syndrome. Last evaluated: 2022-04-19. Review status: criteria provided, single submitter. Criteria: Invitae Variant Classification Sherloc (09022015). Collection method: clinical testing. Allele origin: germline.
Comment: In summary, the available evidence is currently insufficient to determine the role of this variant in disease. Therefore, it has been classified as a Variant of Uncertain Significance. Advanced modeling of protein sequence and biophysical properties (such as structural, functional, and spatial information, amino acid conservation, physicochemical variation, residue mobility, and thermodynamic stability) performed at Invitae indicates that this missense variant is not expected to disrupt BRCA2 protein function. ClinVar contains an entry for this variant (Variation ID: 1337391). This variant has not been reported in the literature in individuals affected with BRCA2-related conditions. This variant is present in population databases (rs750917769, gnomAD 0.003%). This sequence change replaces leucine, which is neutral and non-polar, with serine, which is neutral and polar, at codon 2327 of the BRCA2 protein (p.Leu2327Ser).

Genetic Services Laboratory, University of Chicago
Classification: Uncertain significance. Last evaluated: 2019-10-04. Review status: criteria provided, single submitter. Criteria: ACMG Guidelines, 2015. Collection method: clinical testing. Allele origin: germline. Affected: no.